The following is an entry in ClinVar:

ClinVar aggregate classification (germline): Uncertain significance. Review status: criteria provided, multiple submitters, no conflicts (2 of 4 stars). 2 submissions from 2 submitters: Uncertain significance (2). Last evaluated 2024-06-01.

Conditions:
Inborn genetic diseases. Identifiers: MedGen C0950123, MeSH D030342.
Facioscapulohumeral muscular dystrophy 2 (FSHD2). Also called: MUSCULAR DYSTROPHY, FACIOSCAPULOHUMERAL, TYPE 1B; FACIOSCAPULOHUMERAL MUSCULAR DYSTROPHY 2, DIGENIC; FSHD2, DIGENIC. Identifiers: Orphanet 269, MedGen C1834671, MONDO:0008031, OMIM 158901.

Allele frequency attached by ClinVar (database versions not stated): gnomAD exomes below 0.00001 and 0.00001; gnomAD 0.00001; TOPMed 0.00001.
gnomAD v4.1: 16 of 1,613,242 alleles (0.00099%); highest among the groups gnomAD compares: Non-Finnish European, 0.0014%; no homozygotes.

Submissions (2):

Labcorp Genetics (formerly Invitae), Labcorp
Classification: Uncertain significance for Facioscapulohumeral muscular dystrophy 2. Last evaluated: 2024-06-01. Review status: criteria provided, single submitter. Criteria: Invitae Variant Classification Sherloc (09022015). Collection method: clinical testing. Allele origin: germline.
Comment: This sequence change replaces glutamine, which is neutral and polar, with proline, which is neutral and non-polar, at codon 1248 of the SMCHD1 protein (p.Gln1248Pro). This variant is present in population databases (no rsID available, gnomAD 0.0009%). This variant has not been reported in the literature in individuals affected with SMCHD1-related conditions. ClinVar contains an entry for this variant (Variation ID: 1426350). Advanced modeling of protein sequence and biophysical properties (such as structural, functional, and spatial information, amino acid conservation, physicochemical variation, residue mobility, and thermodynamic stability) performed at Invitae indicates that this missense variant is not expected to disrupt SMCHD1 protein function with a negative predictive value of 80%. In summary, the available evidence is currently insufficient to determine the role of this variant in disease. Therefore, it has been classified as a Variant of Uncertain Significance.

Ambry Genetics
Classification: Uncertain significance for Inborn genetic diseases. Last evaluated: 2022-12-16. Review status: criteria provided, single submitter. Criteria: Ambry Variant Classification Scheme 2023. Collection method: clinical testing. Allele origin: germline.

NM_015295.3(SMCHD1):c.3743A>C (p.Gln1248Pro)

Gene: SMCHD1 (structural maintenance of chromosomes flexible hinge domain containing 1; plus strand). Cytogenetic location: 18p11.32.
Variant type: single nucleotide variant.
Coding change: c.3743A>C on transcript NM_015295.3 (MANE Select); coding-DNA position 3743, A replaced by C.
Protein change: p.Gln1248Pro; replaces glutamine 1248 with proline.
Molecular consequence: missense variant.
Genome position (GRCh38, 1-based): chr18:2,743,870, A>C. VCF-style: chr18-2743870-A-C. GRCh37 (hg19) VCF-style: chr18-2743868-A-C.
Other names: c.3743A>C (NM_015295.2); short protein forms Q1248P.
Identifiers: ClinVar variation 1426350 (VCV001426350.9), dbSNP rs936898120, ClinGen allele CA295477964.
Genomic context (GRCh38, chr18:2,743,870, plus strand): 5'-CTCCTGGAAATAAGGATCTTTGTTTTACTTGGCGTGAGTTTTCTGACTTTATTCGAGTGC[A>C]ACTAATTTCTGGACCTCCTGCTAAACTTCTCCTTATAGACTGGCCAGAACTAAAGGAGGT-3'
Protein context (NP_056110.2, residues 1238-1258): WREFSDFIRV[Gln1248Pro]LISGPPAKLL